The following is an entry in ClinVar:

NM_001372.4(DNAH9):c.11600+1G>C

Gene: DNAH9 (dynein axonemal heavy chain 9; plus strand). Cytogenetic location: 17p12.
Variant type: single nucleotide variant.
Coding change: c.11600+1G>C on transcript NM_001372.4 (MANE Select); the canonical splice donor site of the intron after coding-DNA position 11600, G replaced by C.
Molecular consequence: splice donor variant.
Genome position (GRCh38, 1-based): chr17:11,902,913, G>C. VCF-style: chr17-11902913-G-C. GRCh37 (hg19) VCF-style: chr17-11806230-G-C.
Other names: c.536+1G>C (NM_004662.2).
Identifiers: ClinVar variation 4769570 (VCV004769570.1).

ClinVar aggregate classification (germline): Likely pathogenic (1 of 4 stars; one submission).

Submission:

Labcorp Genetics (formerly Invitae), Labcorp
Classification: Likely pathogenic. Last evaluated: 2025-09-29. Review status: criteria provided, single submitter. Criteria: Invitae Variant Classification Sherloc (09022015). Collection method: clinical testing. Allele origin: germline.
Comment: This sequence change affects a donor splice site in intron 60 of the DNAH9 gene. It is expected to disrupt RNA splicing. Variants that disrupt the donor or acceptor splice site typically lead to a loss of protein function (PMID: 16199547), and loss-of-function variants in DNAH9 are known to be pathogenic (PMID: 30471718). This variant is not present in population databases (gnomAD no frequency). This variant has not been reported in the literature in individuals affected with DNAH9-related conditions. Algorithms developed to predict the effect of sequence changes on RNA splicing suggest that this variant may disrupt the consensus splice site. In summary, the currently available evidence indicates that the variant is pathogenic, but additional data are needed to prove that conclusively. Therefore, this variant has been classified as Likely Pathogenic.

Literature cited by the submitters: PubMed 16199547; PubMed 30471718.